The following is an entry in ClinVar:

ClinVar aggregate classification (germline): Likely pathogenic (1 of 4 stars; one submission).

gnomAD v4.1: 1 of 1,610,912 alleles (0.000062%); no homozygotes.

Submission:

Labcorp Genetics (formerly Invitae), Labcorp
Classification: Likely pathogenic. Last evaluated: 2022-11-04. Review status: criteria provided, single submitter. Criteria: Invitae Variant Classification Sherloc (09022015). Collection method: clinical testing. Allele origin: germline.
Comment: This sequence change affects an acceptor splice site in intron 21 of the COL18A1 gene. It is expected to disrupt RNA splicing. Variants that disrupt the donor or acceptor splice site typically lead to a loss of protein function (PMID: 16199547), and loss-of-function variants in COL18A1 are known to be pathogenic (PMID: 12415512, 25456301). This variant is not present in population databases (gnomAD no frequency). In summary, the currently available evidence indicates that the variant is pathogenic, but additional data are needed to prove that conclusively. Therefore, this variant has been classified as Likely Pathogenic. Algorithms developed to predict the effect of sequence changes on RNA splicing suggest that this variant may disrupt the consensus splice site. This variant has not been reported in the literature in individuals affected with COL18A1-related conditions.

Literature cited by the submitters: PubMed 16199547; PubMed 12415512; PubMed 25456301.

NM_001379500.1(COL18A1):c.2068-1G>A

Gene: COL18A1 (collagen type XVIII alpha 1 chain; plus strand). Cytogenetic location: 21q22.3.
Variant type: single nucleotide variant.
Coding change: c.2068-1G>A on transcript NM_001379500.1 (MANE Select); the canonical splice acceptor site of the intron before coding-DNA position 2068, G replaced by A.
Molecular consequence: splice acceptor variant.
Genome position (GRCh38, 1-based): chr21:45,491,224, G>A. VCF-style: chr21-45491224-G-A. GRCh37 (hg19) VCF-style: chr21-46911138-G-A.
Other names: c.3313-1G>A (NM_130444.3); c.2608-1G>A (NM_030582.4).
Identifiers: ClinVar variation 2812079 (VCV002812079.3), dbSNP rs2517683028, ClinGen allele CA410496935.